The following is an entry in ClinVar:

NM_001013838.3(CARMIL2):c.1859C>T (p.Ala620Val)

Gene: CARMIL2 (capping protein regulator and myosin 1 linker 2; plus strand). Cytogenetic location: 16q22.1.
Variant type: single nucleotide variant.
Coding change: c.1859C>T on transcript NM_001013838.3 (MANE Select); coding-DNA position 1859, C replaced by T.
Protein change: p.Ala620Val; replaces alanine 620 with valine.
Molecular consequence: missense variant.
Genome position (GRCh38, 1-based): chr16:67,649,559, C>T. VCF-style: chr16-67649559-C-T. GRCh37 (hg19) VCF-style: chr16-67683462-C-T.
Other names: c.1751C>T, p.Ala584Val (NM_001317026.3); short protein forms A584V, A620V.
Identifiers: ClinVar variation 1915379 (VCV001915379.6), dbSNP rs768020939, ClinGen allele CA8113579.

ClinVar aggregate classification (germline): Uncertain significance. Review status: criteria provided, multiple submitters, no conflicts (2 of 4 stars). 2 submissions from 2 submitters: Uncertain significance (2). Last evaluated 2025-08-13.

Allele frequency attached by ClinVar (database versions not stated): gnomAD exomes 0.00003; ExAC 0.00007.
gnomAD v4.1: 46 of 1,602,968 alleles (0.0029%); highest among the groups gnomAD compares: South Asian, 0.047%; no homozygotes.

Submissions (2):

Labcorp Genetics (formerly Invitae), Labcorp
Classification: Uncertain significance. Last evaluated: 2025-08-13. Review status: criteria provided, single submitter. Criteria: Invitae Variant Classification Sherloc (09022015). Collection method: clinical testing. Allele origin: germline.
Comment: This sequence change replaces alanine, which is neutral and non-polar, with valine, which is neutral and non-polar, at codon 620 of the CARMIL2 protein (p.Ala620Val). This variant is present in population databases (rs768020939, gnomAD 0.05%). This variant has not been reported in the literature in individuals affected with CARMIL2-related conditions. ClinVar contains an entry for this variant (Variation ID: 1915379). Invitae Evidence Modeling of protein sequence and biophysical properties (such as structural, functional, and spatial information, amino acid conservation, physicochemical variation, residue mobility, and thermodynamic stability) indicates that this missense variant is not expected to disrupt CARMIL2 protein function with a negative predictive value of 80%. In summary, the available evidence is currently insufficient to determine the role of this variant in disease. Therefore, it has been classified as a Variant of Uncertain Significance.

Blueprint Genetics
Classification: Uncertain significance. Last evaluated: 2019-10-25. Review status: criteria provided, single submitter. Criteria: ACMG Guidelines, 2015. Collection method: clinical testing. Allele origin: germline.